The following is an entry in ClinVar:

ClinVar aggregate classification (germline): Uncertain significance. Review status: criteria provided, multiple submitters, no conflicts (2 of 4 stars). 2 submissions from 2 submitters: Uncertain significance (2). Last evaluated 2024-10-30.

Allele frequency attached by ClinVar (database versions not stated): gnomAD 0.00001; TOPMed 0.00002.
gnomAD v4.1: 42 of 1,608,556 alleles (0.0026%); highest among the groups gnomAD compares: Non-Finnish European, 0.0033%; no homozygotes.

Submissions (2):

Labcorp Genetics (formerly Invitae), Labcorp
Classification: Uncertain significance. Last evaluated: 2024-10-30. Review status: criteria provided, single submitter. Criteria: Invitae Variant Classification Sherloc (09022015). Collection method: clinical testing. Allele origin: germline.
Comment: This sequence change replaces valine, which is neutral and non-polar, with isoleucine, which is neutral and non-polar, at codon 351 of the NAF1 protein (p.Val351Ile). This variant is present in population databases (rs367623937, gnomAD 0.0009%). This variant has not been reported in the literature in individuals affected with NAF1-related conditions. ClinVar contains an entry for this variant (Variation ID: 3014135). An algorithm developed to predict the effect of missense changes on protein structure and function (PolyPhen-2) suggests that this variant is likely to be tolerated. In summary, the available evidence is currently insufficient to determine the role of this variant in disease. Therefore, it has been classified as a Variant of Uncertain Significance.

Blueprint Genetics
Classification: Uncertain significance. Last evaluated: 2024-01-31. Review status: criteria provided, single submitter. Criteria: ACMG Guidelines, 2015. Collection method: clinical testing. Allele origin: germline.

NM_138386.3(NAF1):c.1051G>A (p.Val351Ile)

Gene: NAF1 (nuclear assembly factor 1 ribonucleoprotein; minus strand). Cytogenetic location: 4q32.2.
Variant type: single nucleotide variant.
Coding change: c.1051G>A on transcript NM_138386.3 (MANE Select); coding-DNA position 1051, G replaced by A.
Protein change: p.Val351Ile; replaces valine 351 with isoleucine.
Molecular consequence: missense variant. On other transcripts: intron variant (1).
Genome position (GRCh38, 1-based): chr4:163,129,331, C>T on the plus strand (G>A on the coding strand, the complement: NAF1 is on the minus strand). VCF-style: chr4-163129331-C-T. GRCh37 (hg19) VCF-style: chr4-164050483-C-T.
Other names: c.1034-2216G>A (NM_001128931.2); short protein forms V351I.
Identifiers: ClinVar variation 3014135 (VCV003014135.4), dbSNP rs367623937, ClinGen allele CA110029837.
Genomic context (GRCh38, chr4:163,129,331, plus strand): 5'-TGTTACGATATCCTTTTGCATGCTCTGAAGCAGAGCTATGAGCATTCCAATTCTGATGTA[C>T]TTCAGTAAAATCTTCACCTTTGAGTGAGGGGAGGGAAAACATAAAAAGGAAAATAAGTTT-3'
Protein context (NP_612395.2, residues 341-361): FNEPGEDFTE[Val351Ile]HQNWNAHSSA